The following is an entry in ClinVar:

ClinVar aggregate classification (germline): Uncertain significance (1 of 4 stars; one submission).

Conditions:
Familial thoracic aortic aneurysm and aortic dissection (TAAD). Also called: Thoracic aortic aneurysms and dissections. Identifiers: Orphanet 91387, MedGen C4707243, MONDO:0019625.

Allele frequency attached by ClinVar (database versions not stated): TOPMed below 0.00001; gnomAD 0.00001.
gnomAD v4.1: 2 of 1,605,048 alleles (0.00012%); highest among the groups gnomAD compares: Non-Finnish European, 0.00017%; no homozygotes.

Submission:

Color Diagnostics, LLC DBA Color Health
Classification: Uncertain significance for Familial thoracic aortic aneurysm and aortic dissection. Last evaluated: 2025-07-25. Review status: criteria provided, single submitter. Criteria: ACMG Guidelines, 2015. Collection method: clinical testing. Allele origin: germline.
Comment: This variant is located in the 5' untranslated region of the FBN1 gene. To our knowledge, functional studies have not been reported for this variant. This variant has not been reported in individuals affected with FBN1-related disorders in the literature. This variant has not been identified in the general population by the Genome Aggregation Database (gnomAD). The available evidence is insufficient to determine the role of this variant in disease conclusively. Therefore, this variant is classified as a Variant of Uncertain Significance.

NM_000138.5(FBN1):c.-6G>T

Gene: FBN1 (fibrillin 1; minus strand). Cytogenetic location: 15q21.1.
Variant type: single nucleotide variant.
Coding change: c.-6G>T on transcript NM_000138.5 (MANE Select); 6 bases upstream of the start codon, G replaced by T.
Molecular consequence: 5 prime UTR variant.
Genome position (GRCh38, 1-based): chr15:48,644,775, C>A on the plus strand (G>T on the coding strand, the complement: FBN1 is on the minus strand). VCF-style: chr15-48644775-C-A. GRCh37 (hg19) VCF-style: chr15-48936972-C-A.
Identifiers: ClinVar variation 925835 (VCV000925835.4), dbSNP rs1890264028, ClinGen allele CA969574702.